The following is an entry in ClinVar:

NM_002047.4(GARS1):c.428-139G>A

Gene: GARS1 (glycyl-tRNA synthetase 1; plus strand). Cytogenetic location: 7p14.3.
Variant type: single nucleotide variant.
Coding change: c.428-139G>A on transcript NM_002047.4 (MANE Select); 139 bases into the intron before coding-DNA position 428, G replaced by A.
Molecular consequence: intron variant.
Genome position (GRCh38, 1-based): chr7:30,600,920, G>A. VCF-style: chr7-30600920-G-A. GRCh37 (hg19) VCF-style: chr7-30640536-G-A.
Other names: c.266-139G>A (NM_001316772.1).
Identifiers: ClinVar variation 676720 (VCV000676720.1), dbSNP rs2952804, ClinGen allele CA156099968.

ClinVar aggregate classification (germline): Benign (1 of 4 stars; one submission).

Allele frequency attached by ClinVar (database versions not stated): gnomAD exomes 0.00342; gnomAD 0.02706 and 0.02919; 1000 Genomes Project 0.02995; TOPMed 0.03056; 1000 Genomes Project 30x 0.03326.
gnomAD v4.1: 6,192 of 727,736 alleles (0.85%); highest among the groups gnomAD compares: African/African-American, 9.2%; 266 homozygotes.

Submission:

GeneDx
Classification: Benign. Last evaluated: 2018-06-16. Review status: criteria provided, single submitter. Criteria: GeneDx Variant Classification (06012015). Collection method: clinical testing. Allele origin: germline. Affected: yes.
Comment: This variant is considered likely benign or benign based on one or more of the following criteria: it is a conservative change, it occurs at a poorly conserved position in the protein, it is predicted to be benign by multiple in silico algorithms, and/or has population frequency not consistent with disease.